The following is an entry in ClinVar:

NM_006329.4(FBLN5):c.163_164delinsAC (p.Gly55Thr)

Gene: FBLN5 (fibulin 5; minus strand). Cytogenetic location: 14q32.12.
Variant type: Indel.
Coding change: c.163_164delinsAC on transcript NM_006329.4 (MANE Select); coding-DNA positions 163 to 164, GG replaced by AC.
Protein change: p.Gly55Thr; replaces glycine 55 with threonine.
Molecular consequence: missense variant. On other transcripts: 5 prime UTR variant (2).
Genome position (GRCh38, 1-based): chr14:91,937,162-91,937,163, CC replaced by GT on the plus strand (GG replaced by AC on the coding strand, the reverse complement: FBLN5 is on the minus strand). VCF-style: chr14-91937162-CC-GT. GRCh37 (hg19) VCF-style: chr14-92403506-CC-GT.
Other names: c.286_287delinsAC, p.Gly96Thr (NM_001384158.1); c.214_215delinsAC, p.Gly72Thr (NM_001384159.1); c.163_164delinsAC, p.Gly55Thr (NM_001384160.1); c.-6_-5delinsAC (NM_001384161.1, NM_001384162.1); short protein forms G55T, G72T, G96T.
Identifiers: ClinVar variation 5038079 (VCV005038079.1).
Genomic context (GRCh38, chr14:91,937,162, plus strand): 5'-ACAGGGTTTGTCCGGGGAATGCATAAATACCCGCCATTTTGGTTAACACACATCATGTCT[CC>GT]TCGGCAGGCCTCGGGGATGGTTCGGCATTCATCAATATCTGAAAGGCACAGAAAGGGCGA-3'
Protein context (NP_006320.2, residues 45-65): ECRTIPEACR[Gly55Thr]DMMCVNQNGG

ClinVar aggregate classification (germline): Uncertain significance (1 of 4 stars; one submission).

Conditions:
Macular degeneration, age-related, 3 (ARMD3). Identifiers: Orphanet 280598, MedGen C1837187, MONDO:0012145, OMIM 608895.

Submission:

MVZ Medizinische Genetik Mainz
Classification: Uncertain significance for Macular degeneration, age-related, 3. Last evaluated: 2026-05-08. Review status: criteria provided, single submitter. Criteria: UK Practice Guidelines For Variant Classification V4 01 2020. Collection method: clinical testing. Allele origin: germline. Inheritance: Autosomal dominant inheritance. Affected: yes. Observed: 1 variant allele.
Comment: ACMG Criteria: PM2_SUP,PM4_SUP,PP3